The following is an entry in ClinVar:

ClinVar aggregate classification (germline): not provided (0 of 4 stars; one submission).

Conditions:
Normal pregnancy. Identifiers: MedGen C0232989.

Submission:

Institute of Molecular and Cell Biology, University of Tartu
No classification provided. Condition: Normal pregnancy. Review status: no classification provided. Collection method: case-control. Allele origin: unknown. Affected: yes. Study: Kasak2014.
Comment: The study aimed to determine the contribution of copy number variants in the genetic etiology of normal and complicated pregnancies. The samples represented (i) maternal blood DNA drawn from healthy pregnant women during 1st or 2nd trimester and (ii) maternal and paternal blood DNA drawn at term pregnancy cases representing normal and complicated gestations (severe preeclampsia, PE; gestational diabetes, GD; small-for-gestational age newborn, SGA; large-for-gestational age newborn, LGA). We performed CNV calling based on genome-wide genotyping dataset (Illumina HumanOmniExpress-24-v1 BeadChip) by applying three algorithms, QuantiSNP, GADA (Genome Alteration Detection Algorithm) and CNstream in parallel. The acquired CNV calls were merged with HD-CNV (Hotspot Detector for Copy Number Variants) program and only the CNVs predicted by at least two programs, were considered in subsequent analysis.

Literature cited by the submitters: PubMed 25666259.

NC_000006.12:g.65844189_65912453dup

Genes: LOC132089435 (Neanderthal introgressed variant-containing enhancer experimental_93713; plus strand), LOC132089436 (Neanderthal introgressed variant-containing enhancer experimental_93741; plus strand). Cytogenetic location: 6q12.
Variant type: Duplication.
Identifiers: ClinVar variation 157014 (VCV000157014.2).